The following is an entry in ClinVar:

ClinVar aggregate classification (germline): Uncertain significance (1 of 4 stars; one submission).

Conditions:
Inborn genetic diseases. Identifiers: MedGen C0950123, MeSH D030342.

Submission:

Ambry Genetics
Classification: Uncertain significance for Inborn genetic diseases. Last evaluated: 2025-10-02. Review status: criteria provided, single submitter. Criteria: Ambry Variant Classification Scheme 2023. Collection method: clinical testing. Allele origin: germline.
Comment: The p.D846N variant (also known as c.2536G>A), located in coding exon 1 of the SAMD9L gene, results from a G to A substitution at nucleotide position 2536. The aspartic acid at codon 846 is replaced by asparagine, an amino acid with highly similar properties. This amino acid position is conserved. In addition, this alteration is predicted to be tolerated by in silico analysis. Based on the available evidence, the clinical significance of this variant remains unclear.

NM_152703.5(SAMD9L):c.2536G>A (p.Asp846Asn)

Gene: SAMD9L (sterile alpha motif domain containing 9 like; minus strand). Cytogenetic location: 7q21.2.
Variant type: single nucleotide variant.
Coding change: c.2536G>A on transcript NM_152703.5 (MANE Select); coding-DNA position 2536, G replaced by A.
Protein change: p.Asp846Asn; replaces aspartic acid 846 with asparagine.
Molecular consequence: missense variant.
Genome position (GRCh38, 1-based): chr7:93,133,436, C>T on the plus strand (G>A on the coding strand, the complement: SAMD9L is on the minus strand). VCF-style: chr7-93133436-C-T. GRCh37 (hg19) VCF-style: chr7-92762749-C-T.
Other names: c.2536G>A, p.Asp846Asn (NM_001303496.3, NM_001303497.3, NM_001303498.3 and 5 more transcripts); short protein forms D846N.
Identifiers: ClinVar variation 4630031 (VCV004630031.1).
Genomic context (GRCh38, chr7:93,133,436, plus strand): 5'-GTTCCTTGGAAGAAAGTTGGTAATTTAGTGCAATACTGTCTGCCAATTTTGCACTTTCAT[C>T]TGGATTCCGGGATCTCATGCAGTTTAAGATAATTACCAATGTTTTTTCATATCGCAAATC-3'
Protein context (NP_689916.2, residues 836-856): ILNCMRSRNP[Asp846Asn]ESAKLADSIA